The following is an entry in ClinVar:

NM_000125.4(ESR1):c.18C>T (p.His6=)

Gene: ESR1 (estrogen receptor 1; plus strand). Cytogenetic location: 6q25.1.
Variant type: single nucleotide variant.
Coding change: c.18C>T on transcript NM_000125.4 (MANE Select); coding-DNA position 18, C replaced by T.
Protein change: p.His6=; no amino-acid change (histidine 6 retained).
Molecular consequence: synonymous variant.
Genome position (GRCh38, 1-based): chr6:151,807,930, C>T. VCF-style: chr6-151807930-C-T. GRCh37 (hg19) VCF-style: chr6-152129065-C-T.
Other names: c.18C>T, p.His6= (NM_001122740.2, NM_001122741.2, NM_001122742.2 and 7 more transcripts).
Identifiers: ClinVar variation 3034626 (VCV003034626.2), dbSNP rs2128155226, ClinGen allele CA452891260.

ClinVar aggregate classification (germline): Likely benign (0 of 4 stars; one submission).

Conditions:
ESR1-related disorder. Also called: ESR1-related condition.

Submission:

PreventionGenetics, part of Exact Sciences
Classification: Likely benign for ESR1-related condition. Last evaluated: 2019-08-10. Review status: no assertion criteria provided. Collection method: clinical testing. Allele origin: germline.
Comment: This variant is classified as likely benign based on ACMG/AMP sequence variant interpretation guidelines (Richards et al. 2015 PMID: 25741868, with internal and published modifications).